The following is an entry in ClinVar:

ClinVar aggregate classification (germline): Likely benign. Review status: criteria provided, multiple submitters, no conflicts (2 of 4 stars). 2 submissions from 2 submitters: Likely benign (2). Last evaluated 2023-05-29.

Allele frequency attached by ClinVar (database versions not stated): ExAC 0.00002.
gnomAD v4.1: 2 of 1,596,934 alleles (0.00013%); highest among the groups gnomAD compares: Middle Eastern, 0.033%; no homozygotes.

Submissions (2):

Labcorp Genetics (formerly Invitae), Labcorp
Classification: Likely benign. Last evaluated: 2023-05-29. Review status: criteria provided, single submitter. Criteria: Invitae Variant Classification Sherloc (09022015). Collection method: clinical testing. Allele origin: germline.

CeGaT Center for Human Genetics Tuebingen
Classification: Likely benign. Last evaluated: 2023-02-01. Review status: criteria provided, single submitter. Criteria: CeGaT Center For Human Genetics Tuebingen Variant Classification Criteria Version 2. Collection method: clinical testing. Allele origin: germline. Affected: yes. Observed: 1 variant allele.
Comment: TBCK: BP4, BP7

NM_001163435.3(TBCK):c.768C>T (p.Phe256=)

Gene: TBCK (TBC1 domain containing kinase; minus strand). Cytogenetic location: 4q24.
Variant type: single nucleotide variant.
Coding change: c.768C>T on transcript NM_001163435.3 (MANE Select); coding-DNA position 768, C replaced by T.
Protein change: p.Phe256=; no amino-acid change (phenylalanine 256 retained).
Molecular consequence: synonymous variant.
Genome position (GRCh38, 1-based): chr4:106,248,259, G>A on the plus strand (C>T on the coding strand, the complement: TBCK is on the minus strand). VCF-style: chr4-106248259-G-A. GRCh37 (hg19) VCF-style: chr4-107169416-G-A.
Other names: c.768C>T, p.Phe256= (NM_001163436.4); c.651C>T, p.Phe217= (NM_001163437.3); c.252C>T, p.Phe84= (NM_001290768.2); c.579C>T, p.Phe193= (NM_033115.5).
Identifiers: ClinVar variation 2655008 (VCV002655008.27), dbSNP rs752914603, ClinGen allele CA3035310.